The following is an entry in ClinVar:

NM_021969.3(NR0B2):c.683C>T (p.Pro228Leu)

Genes: NR0B2 (nuclear receptor subfamily 0 group B member 2; minus strand), NUDC (nuclear distribution C, dynein complex regulator; plus strand). Cytogenetic location: 1p36.11.
Variant type: single nucleotide variant.
Coding change: c.683C>T on transcript NM_021969.3 (MANE Select); coding-DNA position 683, C replaced by T.
Protein change: p.Pro228Leu; replaces proline 228 with leucine.
Molecular consequence: missense variant.
Genome position (GRCh38, 1-based): chr1:26,911,936, G>A on the plus strand (C>T on the coding strand, the complement: NR0B2 is on the minus strand). VCF-style: chr1-26911936-G-A. GRCh37 (hg19) VCF-style: chr1-27238427-G-A.
Other names: short protein forms P228L.
Identifiers: ClinVar variation 4990774 (VCV004990774.1).

ClinVar aggregate classification (germline): Uncertain significance (1 of 4 stars; one submission).

Conditions:
NR0B2-related disorder. Also called: NR0B2-related condition.

gnomAD v4.1: 10 of 1,614,112 alleles (0.00062%); highest among the groups gnomAD compares: African/African-American, 0.0027%; no homozygotes.

Submission:

PreventionGenetics, part of Exact Sciences
Classification: Uncertain significance for NR0B2-related condition. Last evaluated: 2026-07-02. Review status: criteria provided, single submitter. Criteria: ACMG Guidelines, 2015. Collection method: clinical testing. Allele origin: germline.
Comment: The NR0B2 c.683C>T variant is predicted to result in the amino acid substitution p.Pro228Leu. To our knowledge, this variant has not been reported in the literature. This variant is reported in 0.0080% of alleles in individuals of African descent in gnomAD. At this time, the clinical significance of this variant is uncertain due to the absence of conclusive functional and genetic evidence.